The following is an entry in ClinVar:

NM_001393769.1(MED12L):c.3367A>G (p.Ile1123Val)

Genes: MED12L (mediator complex subunit 12L; plus strand), P2RY12 (purinergic receptor P2Y12; minus strand). Cytogenetic location: 3q25.1.
Variant type: single nucleotide variant.
Coding change: c.3367A>G on transcript NM_001393769.1 (MANE Select); coding-DNA position 3367, A replaced by G.
Protein change: p.Ile1123Val; replaces isoleucine 1123 with valine.
Molecular consequence: missense variant. On other transcripts: intron variant (1).
Genome position (GRCh38, 1-based): chr3:151,367,685, A>G. VCF-style: chr3-151367685-A-G. GRCh37 (hg19) VCF-style: chr3-151085473-A-G.
Other names: c.3262A>G, p.Ile1088Val (NM_053002.6); c.-180+17007T>C (NM_022788.5); short protein forms I1088V, I1123V.
Identifiers: ClinVar variation 1329674 (VCV001329674.3), dbSNP rs754912002, ClinGen allele CA2668244.

ClinVar aggregate classification (germline): Uncertain significance. Review status: criteria provided, multiple submitters, no conflicts (2 of 4 stars). 2 submissions from 2 submitters: Uncertain significance (2). Last evaluated 2024-01-23.

Conditions:
Inborn genetic diseases. Identifiers: MedGen C0950123, MeSH D030342.

Allele frequency attached by ClinVar (database versions not stated): gnomAD exomes below 0.00001; TOPMed below 0.00001; ExAC 0.00001.
gnomAD v4.1: 2 of 1,610,060 alleles (0.00012%); highest among the groups gnomAD compares: Non-Finnish European, 0.00017%; no homozygotes.

Submissions (2):

Ambry Genetics
Classification: Uncertain significance for Inborn genetic diseases. Last evaluated: 2024-01-23. Review status: criteria provided, single submitter. Criteria: Ambry Variant Classification Scheme 2023. Collection method: clinical testing. Allele origin: germline.

GeneDx
Classification: Uncertain significance. Last evaluated: 2021-06-27. Review status: criteria provided, single submitter. Criteria: GeneDx Variant Classification Process June 2021. Collection method: clinical testing. Allele origin: germline. Affected: yes.
Comment: Has not been previously published as pathogenic or benign to our knowledge; In silico analysis supports that this variant does not alter splicing; This variant is associated with the following publications: (PMID: 27535533)